The following is an entry in ClinVar:

ClinVar aggregate classification (germline): Benign/Likely benign. Review status: criteria provided, multiple submitters, no conflicts (2 of 4 stars). 2 submissions from 2 submitters: Benign (1); Likely benign (1). Last evaluated 2025-11-10.

Conditions:
Hereditary cancer-predisposing syndrome. Also called: Neoplastic Syndromes, Hereditary; Tumor predisposition; Hereditary Cancer Syndrome; Hereditary neoplastic syndrome. Identifiers: Orphanet 140162, MedGen C0027672, MeSH D009386, MONDO:0015356.
Familial cancer of breast. Also called: hereditary breast carcinoma; Hereditary breast cancer; BREAST CANCER, FAMILIAL. Identifiers: Orphanet 227535, MedGen C0346153, MONDO:0016419, OMIM 114480. Disease mechanism: loss of function.

gnomAD v4.1: 1 of 1,609,986 alleles (0.000062%); highest among the groups gnomAD compares: South Asian, 0.0011%; no homozygotes.

Submissions (2):

Color Diagnostics, LLC DBA Color Health
Classification: Likely benign for Hereditary cancer-predisposing syndrome. Last evaluated: 2025-11-10. Review status: criteria provided, single submitter. Criteria: ACMG Guidelines, 2015. Collection method: clinical testing. Allele origin: germline.

Myriad Genetics, Inc.
Classification: Benign for Familial cancer of breast. Last evaluated: 2024-07-23. Review status: criteria provided, single submitter. Criteria: Myriad Autosomal Dominant, Autosomal Recessive and X-Linked Classification Criteria (2023). Collection method: clinical testing. Allele origin: unknown.
Comment: This variant is considered benign. This variant is a silent/synonymous amino acid change and it is not expected to impact splicing.

NM_000465.4(BARD1):c.837T>C (p.Ser279=)

Gene: BARD1 (BRCA1 associated RING domain 1; minus strand). Cytogenetic location: 2q35.
Variant type: single nucleotide variant.
Coding change: c.837T>C on transcript NM_000465.4 (MANE Select); coding-DNA position 837, T replaced by C.
Protein change: p.Ser279=; no amino-acid change (serine 279 retained).
Molecular consequence: synonymous variant. On other transcripts: non-coding transcript variant (2), intron variant (3).
Genome position (GRCh38, 1-based): chr2:214,781,037, A>G on the plus strand (T>C on the coding strand, the complement: BARD1 is on the minus strand). VCF-style: chr2-214781037-A-G. GRCh37 (hg19) VCF-style: chr2-215645761-A-G.
Other names: c.780T>C, p.Ser260= (NM_001282543.2); c.158+28375T>C (NM_001282548.2); c.215+16024T>C (NM_001282545.2); c.364+11260T>C (NM_001282549.2).
Identifiers: ClinVar variation 3379336 (VCV003379336.2).
Genomic context (GRCh38, chr2:214,781,037, plus strand): 5'-AGTCACTACTTCATTCCTGCTCTTAGTGTCTGGAGACTCTATTTGCTCAGCCAATGGTAA[A>G]GAGACTTCAGTTAAACTTCCAAAACATTCAGATTCTGTCAAGGAGCCACTTGCTAGTAAG-3'
Protein context (NP_000456.2, residues 269-289): SECFGSLTEV[Ser279=]LPLAEQIESP